The following is an entry in ClinVar:

ClinVar aggregate classification (germline): Uncertain significance. Review status: criteria provided, multiple submitters, no conflicts (2 of 4 stars). 2 submissions from 2 submitters: Uncertain significance (2). Last evaluated 2026-05-06.

Conditions:
Hereditary cancer-predisposing syndrome. Also called: Hereditary Cancer Syndrome; Neoplastic Syndromes, Hereditary; Tumor predisposition; Hereditary neoplastic syndrome. Identifiers: Orphanet 140162, MedGen C0027672, MeSH D009386, MONDO:0015356.
Tuberous sclerosis 2 (TSC2). Identifiers: Orphanet 805, MedGen C1860707, MONDO:0013199, OMIM 613254.

Submissions (2):

Ambry Genetics
Classification: Uncertain significance for Hereditary cancer-predisposing syndrome. Last evaluated: 2026-05-06. Review status: criteria provided, single submitter. Criteria: Ambry Variant Classification Scheme 2023. Collection method: clinical testing. Allele origin: germline.
Comment: The p.I346M variant (also known as c.1038C>G), located in coding exon 10 of the TSC2 gene, results from a C to G substitution at nucleotide position 1038. The isoleucine at codon 346 is replaced by methionine, an amino acid with highly similar properties. This amino acid position is well conserved in available vertebrate species. In addition, the in silico prediction for this alteration is inconclusive. Based on the available evidence, the clinical significance of this variant remains unclear.

Labcorp Genetics (formerly Invitae), Labcorp
Classification: Uncertain significance for Tuberous sclerosis 2. Last evaluated: 2019-05-10. Review status: criteria provided, single submitter. Criteria: Invitae Variant Classification Sherloc (09022015). Collection method: clinical testing. Allele origin: germline.
Comment: In summary, the available evidence is currently insufficient to determine the role of this variant in disease. Therefore, it has been classified as a Variant of Uncertain Significance. Algorithms developed to predict the effect of missense changes on protein structure and function are either unavailable or do not agree on the potential impact of this missense change (SIFT: "Deleterious"; PolyPhen-2: "Possibly Damaging"; Align-GVGD: "Class C0"). This variant has not been reported in the literature in individuals with TSC2-related conditions. This variant is not present in population databases (ExAC no frequency). This sequence change replaces isoleucine with methionine at codon 346 of the TSC2 protein (p.Ile346Met). The isoleucine residue is highly conserved and there is a small physicochemical difference between isoleucine and methionine.

NM_000548.5(TSC2):c.1038C>G (p.Ile346Met)

Gene: TSC2 (TSC complex subunit 2; plus strand). Cytogenetic location: 16p13.3.
Variant type: single nucleotide variant.
Coding change: c.1038C>G on transcript NM_000548.5 (MANE Select); coding-DNA position 1038, C replaced by G.
Protein change: p.Ile346Met; replaces isoleucine 346 with methionine.
Molecular consequence: missense variant.
Genome position (GRCh38, 1-based): chr16:2,060,732, C>G. VCF-style: chr16-2060732-C-G. GRCh37 (hg19) VCF-style: chr16-2110733-C-G.
Other names: c.1038C>G, p.Ile346Met (NM_001077183.3, NM_001114382.3, NM_001363528.2 and 3 more transcripts); c.927C>G, p.Ile309Met (NM_001318827.2); c.891C>G, p.Ile297Met (NM_001318829.2); c.438C>G, p.Ile146Met (NM_001318831.2); c.1071C>G, p.Ile357Met (NM_001318832.2); short protein forms I357M, I297M, I346M, I146M, I309M.
Identifiers: ClinVar variation 951592 (VCV000951592.10), dbSNP rs2086528091, ClinGen allele CA394317702.